The following is an entry in ClinVar:

ClinVar aggregate classification (germline): Uncertain significance (1 of 4 stars; one submission).

Conditions:
Hereditary cancer-predisposing syndrome. Also called: Neoplastic Syndromes, Hereditary; Tumor predisposition; Hereditary Cancer Syndrome; Hereditary neoplastic syndrome. Identifiers: Orphanet 140162, MedGen C0027672, MeSH D009386, MONDO:0015356.

Submission:

Ambry Genetics
Classification: Uncertain significance for Hereditary cancer-predisposing syndrome. Last evaluated: 2026-03-25. Review status: criteria provided, single submitter. Criteria: Ambry Variant Classification Scheme 2023. Collection method: clinical testing. Allele origin: germline.
Comment: The p.A666V variant (also known as c.1997C>T), located in coding exon 15 of the POLD1 gene, results from a C to T substitution at nucleotide position 1997. The alanine at codon 666 is replaced by valine, an amino acid with similar properties. This amino acid position is highly conserved in available vertebrate species. In addition, this alteration is predicted to be tolerated by in silico analysis. Based on the available evidence, the clinical significance of this variant remains unclear.

NM_002691.4(POLD1):c.1997C>T (p.Ala666Val)

Gene: POLD1 (DNA polymerase delta 1, catalytic subunit; plus strand). Cytogenetic location: 19q13.33.
Variant type: single nucleotide variant.
Coding change: c.1997C>T on transcript NM_002691.4 (MANE Select); coding-DNA position 1997, C replaced by T.
Protein change: p.Ala666Val; replaces alanine 666 with valine.
Molecular consequence: missense variant. On other transcripts: non-coding transcript variant (1).
Genome position (GRCh38, 1-based): chr19:50,409,226, C>T. VCF-style: chr19-50409226-C-T. GRCh37 (hg19) VCF-style: chr19-50912483-C-T.
Other names: c.1997C>T, p.Ala666Val (NM_001256849.1, NM_001438210.1, NM_001438211.1 and 2 more transcripts); c.2075C>T, p.Ala692Val (NM_001308632.1); short protein forms A666V, A692V.
Identifiers: ClinVar variation 4862165 (VCV004862165.1).